The following is an entry in ClinVar:

ClinVar aggregate classification (germline): Uncertain significance (1 of 4 stars; one submission).

Conditions:
Catecholaminergic polymorphic ventricular tachycardia 1. Also called: RYR2-Related Catecholaminergic Polymorphic Ventricular Tachycardia; VENTRICULAR TACHYCARDIA, CATECHOLAMINERGIC POLYMORPHIC, 1, WITH OR WITHOUT ATRIAL DYSFUNCTION AND/OR DILATED CARDIOMYOPATHY; VENTRICULAR TACHYCARDIA, STRESS-INDUCED POLYMORPHIC 1. Identifiers: Orphanet 3286, MedGen C1631597, MONDO:0011484, OMIM 604772.

Submission:

Labcorp Genetics (formerly Invitae), Labcorp
Classification: Uncertain significance for Catecholaminergic polymorphic ventricular tachycardia 1. Last evaluated: 2025-10-21. Review status: criteria provided, single submitter. Criteria: Invitae Variant Classification Sherloc (09022015). Collection method: clinical testing. Allele origin: germline.
Comment: This sequence change replaces glutamic acid, which is acidic and polar, with glycine, which is neutral and non-polar, at codon 1801 of the RYR2 protein (p.Glu1801Gly). This variant is not present in population databases (gnomAD no frequency). This variant has not been reported in the literature in individuals affected with RYR2-related conditions. Invitae Evidence Modeling of protein sequence and biophysical properties (such as structural, functional, and spatial information, amino acid conservation, physicochemical variation, residue mobility, and thermodynamic stability) indicates that this missense variant is not expected to disrupt RYR2 protein function with a negative predictive value of 95%. In summary, the available evidence is currently insufficient to determine the role of this variant in disease. Therefore, it has been classified as a Variant of Uncertain Significance.

NM_001035.3(RYR2):c.5402A>G (p.Glu1801Gly)

Gene: RYR2 (ryanodine receptor 2; plus strand). Cytogenetic location: 1q43.
Variant type: single nucleotide variant.
Coding change: c.5402A>G on transcript NM_001035.3 (MANE Select); coding-DNA position 5402, A replaced by G.
Protein change: p.Glu1801Gly; replaces glutamic acid 1801 with glycine.
Molecular consequence: missense variant.
Genome position (GRCh38, 1-based): chr1:237,614,530, A>G. VCF-style: chr1-237614530-A-G. GRCh37 (hg19) VCF-style: chr1-237777830-A-G.
Other names: short protein forms E1801G.
Identifiers: ClinVar variation 4705592 (VCV004705592.1).
Genomic context (GRCh38, chr1:237,614,530, plus strand): 5'-AGTTCCCACTGGACATCCTCAAGTCCAAAACCATACAGATGCTGACAGAAGCTGTTAAAG[A>G]GGGCAGTCTTCATGCCCGGGACCCAGTTGGAGGGACTACTGAATTCCTCTTTGTACCTCT-3'
Protein context (NP_001026.2, residues 1791-1811): TIQMLTEAVK[Glu1801Gly]GSLHARDPVG